The following is an entry in ClinVar:

ClinVar aggregate classification (germline): Uncertain significance. Review status: criteria provided, multiple submitters, no conflicts (2 of 4 stars). 3 submissions from 3 submitters: Uncertain significance (3). Last evaluated 2025-01-13.

Conditions:
Hereditary cancer-predisposing syndrome. Also called: Neoplastic Syndromes, Hereditary; Hereditary Cancer Syndrome; Hereditary neoplastic syndrome; Tumor predisposition. Identifiers: Orphanet 140162, MedGen C0027672, MeSH D009386, MONDO:0015356.
Familial cancer of breast. Also called: BREAST CANCER, FAMILIAL; Hereditary breast cancer; hereditary breast carcinoma. Identifiers: Orphanet 227535, MedGen C0346153, MONDO:0016419, OMIM 114480. Disease mechanism: loss of function.

Allele frequency attached by ClinVar (database versions not stated): gnomAD exomes below 0.00001; TOPMed 0.00001.
gnomAD v4.1: 1 of 1,614,226 alleles (0.000062%); highest among the groups gnomAD compares: African/African-American, 0.0013%; no homozygotes.

Submissions (3):

Labcorp Genetics (formerly Invitae), Labcorp
Classification: Uncertain significance for Familial cancer of breast. Last evaluated: 2025-01-13. Review status: criteria provided, single submitter. Criteria: Invitae Variant Classification Sherloc (09022015). Collection method: clinical testing. Allele origin: germline.
Comment: This sequence change replaces serine, which is neutral and polar, with cysteine, which is neutral and slightly polar, at codon 747 of the PALB2 protein (p.Ser747Cys). This variant is not present in population databases (gnomAD no frequency). This variant has not been reported in the literature in individuals affected with PALB2-related conditions. ClinVar contains an entry for this variant (Variation ID: 460934). Invitae Evidence Modeling of protein sequence and biophysical properties (such as structural, functional, and spatial information, amino acid conservation, physicochemical variation, residue mobility, and thermodynamic stability) indicates that this missense variant is not expected to disrupt PALB2 protein function with a negative predictive value of 80%. In summary, the available evidence is currently insufficient to determine the role of this variant in disease. Therefore, it has been classified as a Variant of Uncertain Significance.

Ambry Genetics
Classification: Uncertain significance for Hereditary cancer-predisposing syndrome. Last evaluated: 2021-06-30. Review status: criteria provided, single submitter. Criteria: Ambry Variant Classification Scheme 2023. Collection method: clinical testing. Allele origin: germline.
Comment: The p.S747C variant (also known as c.2240C>G), located in coding exon 5 of the PALB2 gene, results from a C to G substitution at nucleotide position 2240. The serine at codon 747 is replaced by cysteine, an amino acid with dissimilar properties. This amino acid position is conserved. In addition, this alteration is predicted to be tolerated by in silico analysis. Since supporting evidence is limited at this time, the clinical significance of this alteration remains unclear.

Color Diagnostics, LLC DBA Color Health
Classification: Uncertain significance for Hereditary cancer-predisposing syndrome. Last evaluated: 2020-10-13. Review status: criteria provided, single submitter. Criteria: ACMG Guidelines, 2015. Collection method: clinical testing. Allele origin: germline.
Comment: This missense variant replaces serine with cysteine at codon 747 of the PALB2 protein. Computational prediction suggests that this variant may not impact protein structure and function (internally defined REVEL score threshold <= 0.5, PMID: 27666373). To our knowledge, functional studies have not been reported for this variant. This variant has not been reported in individuals affected with hereditary cancer in the literature. This variant has not been identified in the general population by the Genome Aggregation Database (gnomAD). The available evidence is insufficient to determine the role of this variant in disease conclusively. Therefore, this variant is classified as a Variant of Uncertain Significance.

NM_024675.4(PALB2):c.2240C>G (p.Ser747Cys)

Gene: PALB2 (partner and localizer of BRCA2; minus strand). Cytogenetic location: 16p12.2.
Variant type: single nucleotide variant.
Coding change: c.2240C>G on transcript NM_024675.4 (MANE Select); coding-DNA position 2240, C replaced by G.
Protein change: p.Ser747Cys; replaces serine 747 with cysteine.
Molecular consequence: missense variant.
Genome position (GRCh38, 1-based): chr16:23,629,914, G>C on the plus strand (C>G on the coding strand, the complement: PALB2 is on the minus strand). VCF-style: chr16-23629914-G-C. GRCh37 (hg19) VCF-style: chr16-23641235-G-C.
Other names: short protein forms S747C.
Identifiers: ClinVar variation 460934 (VCV000460934.15), dbSNP rs1373451258, ClinGen allele CA395125503.